The following is an entry in ClinVar:

ClinVar aggregate classification (germline): Benign/Likely benign. Review status: criteria provided, multiple submitters, no conflicts (2 of 4 stars). 5 submissions from 5 submitters: Benign (3); Likely benign (2). Last evaluated 2026-02-02.

Conditions:
Nephrogenic syndrome of inappropriate antidiuresis (NSIAD). Identifiers: Orphanet 93606, MedGen C1845202, MONDO:0010356, OMIM 300539.
Diabetes insipidus, nephrogenic, X-linked. Also called: Nephrogenic Diabetes Insipidus, Type I. Identifiers: Orphanet 223, MedGen C1563705, MONDO:0010581, OMIM 304800.

Allele frequency attached by ClinVar (database versions not stated): gnomAD exomes 0.00099 and 0.00277; ExAC 0.00392; 1000 Genomes Project 30x 0.00812; 1000 Genomes Project 0.00821; gnomAD 0.00999 and 0.01072; TOPMed 0.01176; ESP Exome Variant Server 0.01259.
gnomAD v4.1: 2,264 of 1,207,054 alleles (0.19%); highest among the groups gnomAD compares: African/African-American, 3.5%; 30 homozygotes.

Submissions (5):

Labcorp Genetics (formerly Invitae), Labcorp
Classification: Benign. Last evaluated: 2026-02-02. Review status: criteria provided, single submitter. Criteria: Invitae Variant Classification Sherloc (09022015). Collection method: clinical testing. Allele origin: germline.

Mayo Clinic Laboratories, Mayo Clinic
Classification: Likely benign. Last evaluated: 2025-09-17. Review status: criteria provided, single submitter. Criteria: ACMG Guidelines, 2015. Collection method: clinical testing. Allele origin: germline. Observed: 2 variant alleles.
Comment: BS1, BP4, BP7

Fulgent Genetics
Classification: Likely benign for Nephrogenic syndrome of inappropriate antidiuresis; Diabetes insipidus, nephrogenic, X-linked. Last evaluated: 2021-08-13. Review status: criteria provided, single submitter. Criteria: ACMG Guidelines, 2015. Collection method: clinical testing. Allele origin: unknown.

Illumina Laboratory Services, Illumina
Classification: Benign for Diabetes insipidus, nephrogenic, X-linked. Last evaluated: 2018-01-13. Review status: criteria provided, single submitter. Criteria: ICSL Variant Classification Criteria 13 December 2019. Collection method: clinical testing. Allele origin: germline.
Comment: This variant was observed in the ICSL laboratory as part of a predisposition screen in an ostensibly healthy population. It had not been previously curated by ICSL or reported in the Human Gene Mutation Database (HGMD: prior to June 1st, 2018), and was therefore a candidate for classification through an automated scoring system. Utilizing variant allele frequency, disease prevalence and penetrance estimates, and inheritance mode, an automated score was calculated to assess if this variant is too frequent to cause the disease. Based on the score and internal cut-off values, a variant classified as benign is not then subjected to further curation. The score for this variant resulted in a classification of benign for this disease.

Breakthrough Genomics
Classification: Benign. Review status: criteria provided, single submitter. Criteria: ACMG Guidelines, 2015. Collection method: not provided. Allele origin: germline. Inheritance: X-linked inheritance. Affected: yes.

NM_000054.7(AVPR2):c.1113G>A (p.Ser371=)

Gene: AVPR2 (arginine vasopressin receptor 2; plus strand). Cytogenetic location: Xq28.
Variant type: single nucleotide variant.
Coding change: c.1113G>A on transcript NM_000054.7 (MANE Select); coding-DNA position 1113, G replaced by A.
Protein change: p.Ser371=; no amino-acid change (serine 371 retained).
Molecular consequence: synonymous variant. On other transcripts: 3 prime UTR variant (1), non-coding transcript variant (1).
Genome position (GRCh38, 1-based): chrX:153,906,725, G>A. VCF-style: chrX-153906725-G-A. GRCh37 (hg19) VCF-style: chrX-153172179-G-A.
Other names: p.Ser371=; c.*289G>A (NM_001146151.3).
Identifiers: ClinVar variation 368078 (VCV000368078.16), dbSNP rs5203, ClinGen allele CA10555141.
Genomic context (GRCh38, chrX:153,906,725, plus strand): 5'-GGGTCCCCAAGATGAGTCCTGCACCACCGCCAGCTCCTCCCTGGCCAAGGACACTTCATC[G>A]TGAGGAGCTGTTGGGTGTCTTGCCTCTAGAGGCTTTGAGAAGCTCAGCTGCCTTCCTGGG-3'
Protein context (NP_000045.1, residues 361-371): ASSSLAKDTS[Ser371=]